The following is an entry in ClinVar:

ClinVar aggregate classification (germline): Uncertain significance (1 of 4 stars; one submission).

Conditions:
Charcot-Marie-Tooth disease type 4. Also called: Charcot-Marie-Tooth disease, type IV; Charcot-Marie-Tooth, Type 4. Identifiers: Orphanet 64749, MedGen C4082197, MONDO:0018995.

gnomAD v4.1: 1 of 1,613,012 alleles (0.000062%); highest among the groups gnomAD compares: Non-Finnish European, 0.000085%; no homozygotes.

Submission:

Labcorp Genetics (formerly Invitae), Labcorp
Classification: Uncertain significance for Charcot-Marie-Tooth disease type 4. Last evaluated: 2023-12-21. Review status: criteria provided, single submitter. Criteria: Invitae Variant Classification Sherloc (09022015). Collection method: clinical testing. Allele origin: germline.
Comment: This sequence change replaces aspartic acid, which is acidic and polar, with tyrosine, which is neutral and polar, at codon 550 of the MTMR2 protein (p.Asp550Tyr). This variant is not present in population databases (gnomAD no frequency). This variant has not been reported in the literature in individuals affected with MTMR2-related conditions. ClinVar contains an entry for this variant (Variation ID: 1516336). Advanced modeling of protein sequence and biophysical properties (such as structural, functional, and spatial information, amino acid conservation, physicochemical variation, residue mobility, and thermodynamic stability) has been performed at Invitae for this missense variant, however the output from this modeling did not meet the statistical confidence thresholds required to predict the impact of this variant on MTMR2 protein function. In summary, the available evidence is currently insufficient to determine the role of this variant in disease. Therefore, it has been classified as a Variant of Uncertain Significance.

NM_016156.6(MTMR2):c.1648G>T (p.Asp550Tyr)

Gene: MTMR2 (myotubularin related protein 2; minus strand). Cytogenetic location: 11q21.
Variant type: single nucleotide variant.
Coding change: c.1648G>T on transcript NM_016156.6 (MANE Select); coding-DNA position 1648, G replaced by T.
Protein change: p.Asp550Tyr; replaces aspartic acid 550 with tyrosine.
Molecular consequence: missense variant.
Genome position (GRCh38, 1-based): chr11:95,836,270, C>A on the plus strand (G>T on the coding strand, the complement: MTMR2 is on the minus strand). VCF-style: chr11-95836270-C-A. GRCh37 (hg19) VCF-style: chr11-95569434-C-A.
Other names: c.1432G>T, p.Asp478Tyr (NM_001243571.2, NM_201278.3, NM_201281.3); short protein forms D478Y, D550Y.
Identifiers: ClinVar variation 1516336 (VCV001516336.6), dbSNP rs2135402110, ClinGen allele CA382414812.